The following is an entry in ClinVar:

ClinVar aggregate classification (germline): Conflicting classifications of pathogenicity. Review status: criteria provided, conflicting classifications (1 of 4 stars). 4 submissions from 4 submitters: Uncertain significance (3); Likely benign (1). Last evaluated 2024-06-10.

Conditions:
Developmental and epileptic encephalopathy, 42 (DEE42A). Also called: DEVELOPMENTAL AND EPILEPTIC ENCEPHALOPATHY 42A; EPILEPTIC ENCEPHALOPATHY, EARLY INFANTILE, 42A; Epileptic encephalopathy, early infantile, 42. Identifiers: MedGen C4310716, MONDO:0014917, OMIM 617106.
Episodic ataxia type 2 (EA2). Also called: CEREBELLAR ATAXIA, PAROXYSMAL, ACETAZOLAMIDE-RESPONSIVE; CEREBELLOPATHY, HEREDITARY PAROXYSMAL; EPISODIC ATAXIA, NYSTAGMUS-ASSOCIATED; ACETAZOLAMIDE-RESPONSIVE HEREDITARY PAROXYSMAL CEREBELLAR ATAXIA; ATAXIA, EPISODIC, WITH NYSTAGMUS; ATAXIA, FAMILIAL PAROXYSMAL. Identifiers: Orphanet 97, MedGen C1720416, MONDO:0007163, OMIM 108500.
Spinocerebellar ataxia type 6 (SCA6). Identifiers: Orphanet 98758, MedGen C0752124, MONDO:0008457, OMIM 183086.
Migraine, familial hemiplegic, 1. Also called: MIGRAINE, FAMILIAL HEMIPLEGIC 1, WITH PROGRESSIVE CEREBELLAR ATAXIA. Identifiers: Orphanet 569, MedGen C1832884, MONDO:0020756, OMIM 141500, MONDO:0007714.

Allele frequency attached by ClinVar (database versions not stated): ExAC 0.00002; gnomAD 0.00003; TOPMed 0.00012; gnomAD exomes 0.00002; ESP Exome Variant Server 0.00008; 1000 Genomes Project 30x 0.00016; 1000 Genomes Project 0.00020.
gnomAD v4.1: 40 of 1,606,924 alleles (0.0025%); highest among the groups gnomAD compares: South Asian, 0.0088%; no homozygotes.

Submissions (4):

Labcorp Genetics (formerly Invitae), Labcorp
Classification: Likely benign for Developmental and epileptic encephalopathy, 42; Episodic ataxia type 2. Last evaluated: 2024-06-10. Review status: criteria provided, single submitter. Criteria: Invitae Variant Classification Sherloc (09022015). Collection method: clinical testing. Allele origin: germline.

Fulgent Genetics
Classification: Uncertain significance for Episodic ataxia type 2; Migraine, familial hemiplegic, 1; Spinocerebellar ataxia type 6; Developmental and epileptic encephalopathy, 42. Last evaluated: 2021-12-30. Review status: criteria provided, single submitter. Criteria: ACMG Guidelines, 2015. Collection method: clinical testing. Allele origin: unknown.

GeneDx
Classification: Uncertain significance. Last evaluated: 2021-03-29. Review status: criteria provided, single submitter. Criteria: GeneDx Variant Classification Process June 2021. Collection method: clinical testing. Allele origin: germline. Affected: yes.
Comment: In silico analysis supports that this missense variant has a deleterious effect on protein structure/function; Has not been previously published as pathogenic or benign to our knowledge

Athena Diagnostics
Classification: Uncertain significance. Last evaluated: 2020-10-21. Review status: criteria provided, single submitter. Criteria: Athena Diagnostics criteria. Collection method: clinical testing. Allele origin: unknown.

NM_001127222.2(CACNA1A):c.1534G>A (p.Glu512Lys)

Gene: CACNA1A (calcium voltage-gated channel subunit alpha1 A; minus strand). Cytogenetic location: 19p13.13.
Variant type: single nucleotide variant.
Coding change: c.1534G>A on transcript NM_001127222.2 (MANE Select); coding-DNA position 1534, G replaced by A.
Protein change: p.Glu512Lys; replaces glutamic acid 512 with lysine.
Molecular consequence: missense variant.
Genome position (GRCh38, 1-based): chr19:13,317,133, C>T on the plus strand (G>A on the coding strand, the complement: CACNA1A is on the minus strand). VCF-style: chr19-13317133-C-T. GRCh37 (hg19) VCF-style: chr19-13427947-C-T.
Other names: c.1537G>A, p.Glu513Lys (NM_000068.4, NM_001127221.2, NM_001174080.2 and 1 more transcripts); short protein forms E512K, E513K.
Identifiers: ClinVar variation 934341 (VCV000934341.13), dbSNP rs375210532, ClinGen allele CA9240794.